The following is an entry in ClinVar:

ClinVar aggregate classification (germline): Likely benign. Review status: criteria provided, multiple submitters, no conflicts (2 of 4 stars). 2 submissions from 2 submitters: Likely benign (2). Last evaluated 2025-05-28.

Conditions:
PIK3CG-related disorder. Also called: PIK3CG-related condition.

Allele frequency attached by ClinVar (database versions not stated): 1000 Genomes Project 0.00060; 1000 Genomes Project 30x 0.00062; ExAC 0.00073; gnomAD 0.00076; ESP Exome Variant Server 0.00077; TOPMed 0.00107.

Submissions (2):

PreventionGenetics, part of Exact Sciences
Classification: Likely benign for PIK3CG-related condition. Last evaluated: 2025-05-28. Review status: criteria provided, single submitter. Criteria: ACMG Guidelines, 2015. Collection method: clinical testing. Allele origin: germline.
Comment: This variant is classified as likely benign based on ACMG/AMP sequence variant interpretation guidelines (Richards et al. 2015 PMID: 25741868, with internal and published modifications).

ARUP Laboratories, Molecular Genetics and Genomics, ARUP Laboratories
Classification: Likely benign. Last evaluated: 2019-03-11. Review status: criteria provided, single submitter. Criteria: ARUP Molecular Germline Variant Investigation Process. Collection method: clinical testing. Allele origin: germline.

NM_001282426.2(PIK3CG):c.1613C>T (p.Pro538Leu)

Gene: PIK3CG (phosphatidylinositol-4,5-bisphosphate 3-kinase catalytic subunit gamma; plus strand). Cytogenetic location: 7q22.3.
Variant type: single nucleotide variant.
Coding change: c.1613C>T on transcript NM_001282426.2 (MANE Select); coding-DNA position 1613, C replaced by T.
Protein change: p.Pro538Leu; replaces proline 538 with leucine.
Molecular consequence: missense variant.
Genome position (GRCh38, 1-based): chr7:106,869,174, C>T. VCF-style: chr7-106869174-C-T. GRCh37 (hg19) VCF-style: chr7-106509619-C-T.
Other names: c.1613C>T (NM_001282427.1); c.1613C>T, p.Pro538Leu (NM_001282427.2, NM_002649.3); short protein forms P538L.
Identifiers: ClinVar variation 811758 (VCV000811758.9), dbSNP rs142822484, ClinGen allele CA4429401.